The following is an entry in ClinVar:

NM_004525.3(LRP2):c.7813A>G (p.Ile2605Val)

Gene: LRP2 (LDL receptor related protein 2; minus strand). Cytogenetic location: 2q31.1.
Variant type: single nucleotide variant.
Coding change: c.7813A>G on transcript NM_004525.3 (MANE Select); coding-DNA position 7813, A replaced by G.
Protein change: p.Ile2605Val; replaces isoleucine 2605 with valine.
Molecular consequence: missense variant.
Genome position (GRCh38, 1-based): chr2:169,204,174, T>C on the plus strand (A>G on the coding strand, the complement: LRP2 is on the minus strand). VCF-style: chr2-169204174-T-C. GRCh37 (hg19) VCF-style: chr2-170060684-T-C.
Other names: short protein forms I2605V.
Identifiers: ClinVar variation 2133404 (VCV002133404.1), dbSNP rs1378742983, ClinGen allele CA349167633.
Genomic context (GRCh38, chr2:169,204,174, plus strand): 5'-CTGACCCGTCATATTTGTTAGCTCGGTAAATTCTTTGTGTGTACAAGTCAGTCCAGTAAA[T>C]ATACTGGCCATAGAGAGTCAAGCCAAAAGCATGAACGGCTGCATTGACAATGACTTCACG-3'
Protein context (NP_004516.2, residues 2595-2615): AFGLTLYGQY[Ile2605Val]YWTDLYTQRI

ClinVar aggregate classification (germline): Uncertain significance (1 of 4 stars; one submission).

Allele frequency attached by ClinVar (database versions not stated): gnomAD exomes below 0.00001; gnomAD 0.00001; TOPMed 0.00001.
gnomAD v4.1: 2 of 1,614,002 alleles (0.00012%); highest among the groups gnomAD compares: Admixed American, 0.0033%; no homozygotes.

Submission:

Labcorp Genetics (formerly Invitae), Labcorp
Classification: Uncertain significance. Last evaluated: 2022-06-15. Review status: criteria provided, single submitter. Criteria: Invitae Variant Classification Sherloc (09022015). Collection method: clinical testing. Allele origin: germline.
Comment: This sequence change replaces isoleucine, which is neutral and non-polar, with valine, which is neutral and non-polar, at codon 2605 of the LRP2 protein (p.Ile2605Val). This variant is not present in population databases (gnomAD no frequency). This variant has not been reported in the literature in individuals affected with LRP2-related conditions. Advanced modeling of protein sequence and biophysical properties (such as structural, functional, and spatial information, amino acid conservation, physicochemical variation, residue mobility, and thermodynamic stability) performed at Invitae indicates that this missense variant is not expected to disrupt LRP2 protein function. Algorithms developed to predict the effect of sequence changes on RNA splicing suggest that this variant may create or strengthen a splice site. In summary, the available evidence is currently insufficient to determine the role of this variant in disease. Therefore, it has been classified as a Variant of Uncertain Significance.